The following is an entry in ClinVar:

NM_000223.4(KRT12):c.637G>T (p.Asp213Tyr)

Gene: KRT12 (keratin 12; minus strand). Cytogenetic location: 17q21.2.
Variant type: single nucleotide variant.
Coding change: c.637G>T on transcript NM_000223.4 (MANE Select); coding-DNA position 637, G replaced by T.
Protein change: p.Asp213Tyr; replaces aspartic acid 213 with tyrosine.
Molecular consequence: missense variant.
Genome position (GRCh38, 1-based): chr17:40,866,168, C>A on the plus strand (G>T on the coding strand, the complement: KRT12 is on the minus strand). VCF-style: chr17-40866168-C-A. GRCh37 (hg19) VCF-style: chr17-39022420-C-A.
Other names: short protein forms D213Y.
Identifiers: ClinVar variation 3535823 (VCV003535823.2).

ClinVar aggregate classification (germline): Uncertain significance. Review status: criteria provided, multiple submitters, no conflicts (2 of 4 stars). 2 submissions from 2 submitters: Uncertain significance (2). Last evaluated 2025-07-03.

Conditions:
Inborn genetic diseases. Identifiers: MedGen C0950123, MeSH D030342.

gnomAD v4.1: 27 of 1,613,972 alleles (0.0017%); highest among the groups gnomAD compares: Middle Eastern, 0.033%; no homozygotes.

Submissions (2):

Labcorp Genetics (formerly Invitae), Labcorp
Classification: Uncertain significance. Last evaluated: 2025-07-03. Review status: criteria provided, single submitter. Criteria: Invitae Variant Classification Sherloc (09022015). Collection method: clinical testing. Allele origin: germline.
Comment: This sequence change replaces aspartic acid, which is acidic and polar, with tyrosine, which is neutral and polar, at codon 213 of the KRT12 protein (p.Asp213Tyr). This variant is present in population databases (rs765898284, gnomAD 0.02%). This variant has not been reported in the literature in individuals affected with KRT12-related conditions. ClinVar contains an entry for this variant (Variation ID: 3535823). Invitae Evidence Modeling of protein sequence and biophysical properties (such as structural, functional, and spatial information, amino acid conservation, physicochemical variation, residue mobility, and thermodynamic stability) indicates that this missense variant is expected to disrupt KRT12 protein function with a positive predictive value of 80%. In summary, the available evidence is currently insufficient to determine the role of this variant in disease. Therefore, it has been classified as a Variant of Uncertain Significance.

Ambry Genetics
Classification: Uncertain significance for Inborn genetic diseases. Last evaluated: 2024-12-04. Review status: criteria provided, single submitter. Criteria: Ambry Variant Classification Scheme 2023. Collection method: clinical testing. Allele origin: germline.